The following is an entry in ClinVar:

NM_000271.5(NPC1):c.2912-3C>G

Gene: NPC1 (NPC intracellular cholesterol transporter 1; minus strand). Cytogenetic location: 18q11.2.
Variant type: single nucleotide variant.
Coding change: c.2912-3C>G on transcript NM_000271.5 (MANE Select); 3 bases into the intron before coding-DNA position 2912, C replaced by G.
Molecular consequence: intron variant.
Genome position (GRCh38, 1-based): chr18:23,538,674, G>C on the plus strand (C>G on the coding strand, the complement: NPC1 is on the minus strand). VCF-style: chr18-23538674-G-C. GRCh37 (hg19) VCF-style: chr18-21118638-G-C.
Identifiers: ClinVar variation 132900 (VCV000132900.5), dbSNP rs483352892, ClinGen allele CA269834.

ClinVar aggregate classification (germline): Uncertain significance. Review status: criteria provided, single submitter (1 of 4 stars). 2 submissions from 2 submitters: Uncertain significance (1). 1 of the submissions does not count toward it. Last evaluated 2024-01-07.

Conditions:
Niemann-Pick disease, type C1. Also called: NIEMANN-PICK DISEASE, VARIANT TYPE C1; NEUROVISCERAL STORAGE DISEASE WITH VERTICAL SUPRANUCLEAR OPHTHALMOPLEGIA; NIEMANN-PICK DISEASE WITH CHOLESTEROL ESTERIFICATION BLOCK; NIEMANN-PICK DISEASE WITHOUT SPHINGOMYELINASE DEFICIENCY; NIEMANN-PICK DISEASE, CHRONIC NEURONOPATHIC FORM. Identifiers: Orphanet 646, MedGen C3179455, MONDO:0009757, OMIM 257220.

Submissions (2):

Labcorp Genetics (formerly Invitae), Labcorp
Classification: Uncertain significance for Niemann-Pick disease, type C1. Last evaluated: 2024-01-07. Review status: criteria provided, single submitter. Criteria: Invitae Variant Classification Sherloc (09022015). Collection method: clinical testing. Allele origin: germline.
Comment: This sequence change falls in intron 19 of the NPC1 gene. It does not directly change the encoded amino acid sequence of the NPC1 protein. It affects a nucleotide within the consensus splice site. This variant is not present in population databases (gnomAD no frequency). This variant has been observed in individual(s) with Niemann-Pick disease type C (PMID: 24915861). In at least one individual the data is consistent with being in trans (on the opposite chromosome) from a pathogenic variant. ClinVar contains an entry for this variant (Variation ID: 132900). Variants that disrupt the consensus splice site are a relatively common cause of aberrant splicing (PMID: 17576681, 9536098). Algorithms developed to predict the effect of sequence changes on RNA splicing suggest that this variant may disrupt the consensus splice site. In summary, the available evidence is currently insufficient to determine the role of this variant in disease. Therefore, it has been classified as a Variant of Uncertain Significance.

Shanghain Institute for Pediatric Research
Classification: Pathogenic for Niemann-Pick disease type C1. Review status: no assertion criteria provided. Collection method: not provided. Allele origin: germline. Not counted in ClinVar's aggregate classification.
ClinVar note: Converted during submission from pathogenic to Pathogenic.

Literature cited by the submitters: PubMed 24915861 (cited by Labcorp Genetics (formerly Invitae), Labcorp); PubMed 17576681 (cited by Labcorp Genetics (formerly Invitae), Labcorp); PubMed 9536098 (cited by Labcorp Genetics (formerly Invitae), Labcorp).